The following is an entry in ClinVar:

NM_001368894.2(PAX6):c.991C>T (p.Arg331Ter)

Gene: PAX6 (paired box 6; minus strand). Cytogenetic location: 11p13.
Variant type: single nucleotide variant.
Coding change: c.991C>T on transcript NM_001368894.2 (MANE Select); coding-DNA position 991, C replaced by T.
Protein change: p.Arg331Ter; replaces arginine 331 with a stop codon.
Molecular consequence: nonsense. On other transcripts: non-coding transcript variant (2).
Genome position (GRCh38, 1-based): chr11:31,793,521, G>A on the plus strand (C>T on the coding strand, the complement: PAX6 is on the minus strand). VCF-style: chr11-31793521-G-A. GRCh37 (hg19) VCF-style: chr11-31815069-G-A.
Other names: c.949C>T, p.Arg317Ter (NM_000280.6, NM_001127612.3, NM_001258464.2 and 10 more transcripts); c.991C>T, p.Arg331Ter (NM_001258462.3, NM_001258463.2, NM_001310158.2 and 6 more transcripts); c.541C>T, p.Arg181Ter (NM_001310160.2, NM_001310161.3, NM_001368899.2 and 11 more transcripts); c.1192C>T, p.Arg398Ter (NM_001368910.2); c.994C>T, p.Arg332Ter (NM_001368911.2); c.1066C>T, p.Arg356Ter (NM_001368918.2, NM_001368919.2); c.1024C>T, p.Arg342Ter (NM_001368920.2); c.790C>T, p.Arg264Ter (NM_001368921.2, NM_001368922.2, NM_001368923.2 and 4 more transcripts); and 2 more; short protein forms R317*, R116*, R342*, R181*, R356*, R250*, R264*, R331*.
Identifiers: ClinVar variation 372444 (VCV000372444.55), dbSNP rs1057517785, ClinGen allele CA16042781.

ClinVar aggregate classification (germline): Pathogenic. Review status: criteria provided, multiple submitters, no conflicts (2 of 4 stars). 7 submissions from 7 submitters: Pathogenic (7). Last evaluated 2025-10-03.

Conditions:
Albinism or congenital nystagmus.
PAX6-related disorder. Also called: PAX6-related disorders; PAX6-related condition.
Aniridia 1 (AN1). Identifiers: Orphanet 250923, MedGen C0344542, MONDO:0024507, OMIM 106210.
Irido-corneo-trabecular dysgenesis (ASGD5). Also called: ANTERIOR SEGMENT DYSGENESIS 5. Identifiers: Orphanet 708, MedGen C0344559, MONDO:0011414, OMIM 604229, HP:0000659.

Allele frequency attached by ClinVar (database versions not stated): gnomAD exomes below 0.00001.
gnomAD v4.1: 1 of 1,614,226 alleles (0.000062%); highest among the groups gnomAD compares: Non-Finnish European, 0.000085%; no homozygotes.

Submissions (7):

Labcorp Genetics (formerly Invitae), Labcorp
Classification: Pathogenic for Aniridia 1; Irido-corneo-trabecular dysgenesis. Last evaluated: 2025-10-03. Review status: criteria provided, single submitter. Criteria: Invitae Variant Classification Sherloc (09022015). Collection method: clinical testing. Allele origin: germline.
Comment: This sequence change creates a premature translational stop signal (p.Arg317*) in the PAX6 gene. It is expected to result in an absent or disrupted protein product. Loss-of-function variants in PAX6 are known to be pathogenic (PMID: 12634864). This variant is not present in population databases (gnomAD no frequency). This premature translational stop signal has been observed in individuals with aniridia (PMID: 8111279, 19898691, 21397818, 22692063, 26661695). Invitae Evidence Modeling of clinical and family history, age, sex, and reported ancestry of multiple individuals with this PAX6 variant has been performed. This variant is expected to be pathogenic with a positive predictive value of at least 99%. This is a validated machine learning model that incorporates the clinical features of 11,666 individuals referred to our laboratory for PAX6 testing. ClinVar contains an entry for this variant (Variation ID: 372444). For these reasons, this variant has been classified as Pathogenic.

CeGaT Center for Human Genetics Tuebingen
Classification: Pathogenic. Last evaluated: 2025-09-01. Review status: criteria provided, single submitter. Criteria: CeGaT Center For Human Genetics Tuebingen Variant Classification Criteria Version 2. Collection method: clinical testing. Allele origin: germline. Affected: yes. Observed: 3 variant alleles.
Comment: PAX6: PS2, PM2, PS4:Moderate, PP1, PS3:Supporting

NHS Central & South Genomic Laboratory Hub
Classification: Pathogenic for Albinism or congenital nystagmus. Last evaluated: 2025-04-09. Review status: criteria provided, single submitter. Criteria: ACMG Guidelines, 2015. Collection method: clinical testing. Allele origin: germline. Affected: yes.

3billion
Classification: Pathogenic for Aniridia 1. Last evaluated: 2023-09-15. Review status: criteria provided, single submitter. Criteria: ACMG Guidelines, 2015. Collection method: clinical testing. Allele origin: germline. Affected: yes.
Comment: The variant is not observed in the gnomAD v2.1.1 dataset. Predicted Consequence/Location: Stop-gained (nonsense): predicted to result in a loss or disruption of normal protein function through nonsense-mediated decay (NMD) or protein truncation. Multiple pathogenic variants are reported downstream of the variant. The variant has been reported at least twice as pathogenic with clinical assertions and evidence for the classification (ClinVar ID: VCV000372444 /PMID: 8111379). Therefore, this variant is classified as Pathogenic according to the recommendation of ACMG/AMP guideline.

GeneDx
Classification: Pathogenic. Last evaluated: 2021-11-18. Review status: criteria provided, single submitter. Criteria: GeneDx Variant Classification Process June 2021. Collection method: clinical testing. Allele origin: germline. Affected: yes.
Comment: Nonsense variant predicted to result in protein truncation or nonsense mediated decay in a gene for which loss-of-function is a known mechanism of disease; Published functional studies demonstrate that R317X results in reduced activation of reporter genes compared to wild type (Chauhan et al., 2004); Not observed in large population cohorts (Lek et al., 2016); This variant is associated with the following publications: (PMID: 26661695, 12868034, 21850189, 19898691, 25525159, 14744876, 27381094, 8111379, 27081561, 29901133, 12634864, 32360764, 34101622, 21397818, 15020706)

Blueprint Genetics
Classification: Pathogenic for PAX6-related disorders. Last evaluated: 2021-09-08. Review status: criteria provided, single submitter. Criteria: ACMG Guidelines, 2015. Collection method: clinical testing. Allele origin: germline. Affected: yes. Observed: 1 variant allele.

Wessex Regional Genetics Laboratory, Salisbury District Hospital
Classification: Pathogenic for Aniridia 1. Last evaluated: 2019-08-15. Review status: criteria provided, single submitter. Criteria: ACMG Guidelines, 2015. Collection method: clinical testing. Allele origin: unknown, de novo, inherited. Inheritance: Autosomal dominant inheritance. Affected: yes. Observed: 11 variant alleles.

Literature cited by the submitters: PubMed 12634864 (cited by Labcorp Genetics (formerly Invitae), Labcorp); PubMed 8111279 (cited by Labcorp Genetics (formerly Invitae), Labcorp); PubMed 19898691 (cited by Labcorp Genetics (formerly Invitae), Labcorp); PubMed 21397818 (cited by Labcorp Genetics (formerly Invitae), Labcorp); PubMed 22692063 (cited by Labcorp Genetics (formerly Invitae), Labcorp); PubMed 26661695 (cited by Labcorp Genetics (formerly Invitae), Labcorp); PubMed 8111379 (cited by 3billion).